The following is an entry in ClinVar:

ClinVar aggregate classification (germline): Uncertain significance. Review status: criteria provided, multiple submitters, no conflicts (2 of 4 stars). 2 submissions from 2 submitters: Uncertain significance (2). Last evaluated 2025-05-05.

Conditions:
Paget disease of bone 2, early-onset (PDB2). Also called: Paget disease of bone 2. Identifiers: MedGen C4085251, MONDO:0011183, OMIM 602080.
Frontotemporal dementia and/or amyotrophic lateral sclerosis 1 (FTDALS1). Also called: Frontotemporal dementia with motor neuron disease 1; C9orf72 Frontotemporal Dementia and/or Amyotrophic Lateral Sclerosis. Identifiers: Orphanet 275872, MedGen C5779877, MONDO:0007105, OMIM 105550.

Allele frequency attached by ClinVar (database versions not stated): gnomAD below 0.00001 and 0.00001; TOPMed 0.00001; gnomAD exomes 0.00002; ExAC 0.00003.
gnomAD v4.1: 18 of 1,613,648 alleles (0.0011%); highest among the groups gnomAD compares: South Asian, 0.015%; no homozygotes.

Submissions (2):

Labcorp Genetics (formerly Invitae), Labcorp
Classification: Uncertain significance for Paget disease of bone 2, early-onset; Frontotemporal dementia and/or amyotrophic lateral sclerosis 1. Last evaluated: 2025-05-05. Review status: criteria provided, single submitter. Criteria: Invitae Variant Classification Sherloc (09022015). Collection method: clinical testing. Allele origin: germline.
Comment: This sequence change replaces arginine, which is basic and polar, with histidine, which is basic and polar, at codon 209 of the SQSTM1 protein (p.Arg209His). This variant is present in population databases (no rsID available, gnomAD 0.01%). This variant has not been reported in the literature in individuals affected with SQSTM1-related conditions. ClinVar contains an entry for this variant (Variation ID: 838159). Invitae Evidence Modeling of protein sequence and biophysical properties (such as structural, functional, and spatial information, amino acid conservation, physicochemical variation, residue mobility, and thermodynamic stability) indicates that this missense variant is not expected to disrupt SQSTM1 protein function with a negative predictive value of 80%. In summary, the available evidence is currently insufficient to determine the role of this variant in disease. Therefore, it has been classified as a Variant of Uncertain Significance.

GeneDx
Classification: Uncertain significance. Last evaluated: 2022-05-24. Review status: criteria provided, single submitter. Criteria: GeneDx Variant Classification Process June 2021. Collection method: clinical testing. Allele origin: germline. Affected: yes.
Comment: Reported as 179251276G>A (p.R209H) in at least one individual with nonalcoholic fatty liver disease and hepatocellular carcinoma (NAFLD-HCC); however, no further clinical information was provided (Pelusi et al., 2019); In silico analysis supports that this missense variant does not alter protein structure/function; This variant is associated with the following publications: (PMID: 30842500)

NM_003900.5(SQSTM1):c.626G>A (p.Arg209His)

Gene: SQSTM1 (sequestosome 1; plus strand). Cytogenetic location: 5q35.3.
Variant type: single nucleotide variant.
Coding change: c.626G>A on transcript NM_003900.5 (MANE Select); coding-DNA position 626, G replaced by A.
Protein change: p.Arg209His; replaces arginine 209 with histidine.
Molecular consequence: missense variant.
Genome position (GRCh38, 1-based): chr5:179,824,276, G>A. VCF-style: chr5-179824276-G-A. GRCh37 (hg19) VCF-style: chr5-179251276-G-A.
Other names: c.374G>A, p.Arg125His (NM_001142298.2, NM_001142299.2); short protein forms R209H, R125H.
Identifiers: ClinVar variation 838159 (VCV000838159.10), dbSNP rs1303154345, ClinGen allele CA3600582.